The following is an entry in ClinVar:

NM_003190.5(TAPBP):c.1135C>T (p.Arg379Cys)

Gene: TAPBP (TAP binding protein; minus strand). Cytogenetic location: 6p21.32.
Variant type: single nucleotide variant.
Coding change: c.1135C>T on transcript NM_003190.5 (MANE Select); coding-DNA position 1135, C replaced by T.
Protein change: p.Arg379Cys; replaces arginine 379 with cysteine.
Molecular consequence: missense variant.
Genome position (GRCh38, 1-based): chr6:33,304,372, G>A on the plus strand (C>T on the coding strand, the complement: TAPBP is on the minus strand). VCF-style: chr6-33304372-G-A. GRCh37 (hg19) VCF-style: chr6-33272149-G-A.
Other names: c.1135C>T, p.Arg379Cys (NM_001410875.1, NM_172208.3); c.874C>T, p.Arg292Cys (NM_172209.3); short protein forms R379C, R292C.
Identifiers: ClinVar variation 2153230 (VCV002153230.5), dbSNP rs145933787, ClinGen allele CA3755715.

ClinVar aggregate classification (germline): Uncertain significance. Review status: criteria provided, multiple submitters, no conflicts (2 of 4 stars). 2 submissions from 2 submitters: Uncertain significance (2). Last evaluated 2025-12-08.

Conditions:
MHC class I deficiency. Identifiers: Orphanet 34592, MedGen C6024714, MONDO:0011476.

Allele frequency attached by ClinVar (database versions not stated): gnomAD 0.00005; ESP Exome Variant Server 0.00008.
gnomAD v4.1: 140 of 1,612,636 alleles (0.0087%); highest among the groups gnomAD compares: Non-Finnish European, 0.011%; 1 homozygote.

Submissions (2):

Labcorp Genetics (formerly Invitae), Labcorp
Classification: Uncertain significance for MHC class I deficiency 1. Last evaluated: 2025-12-08. Review status: criteria provided, single submitter. Criteria: Invitae Variant Classification Sherloc (09022015). Collection method: clinical testing. Allele origin: germline.
Comment: This sequence change replaces arginine, which is basic and polar, with cysteine, which is neutral and slightly polar, at codon 379 of the TAPBP protein (p.Arg379Cys). This variant is present in population databases (rs145933787, gnomAD 0.02%). This variant has not been reported in the literature in individuals affected with TAPBP-related conditions. ClinVar contains an entry for this variant (Variation ID: 2153230). An algorithm developed to predict the effect of missense changes on protein structure and function (PolyPhen-2) suggests that this variant is likely to be disruptive. In summary, the available evidence is currently insufficient to determine the role of this variant in disease. Therefore, it has been classified as a Variant of Uncertain Significance.

Blueprint Genetics
Classification: Uncertain significance. Last evaluated: 2024-10-23. Review status: criteria provided, single submitter. Criteria: ACMG Guidelines, 2015. Collection method: clinical testing. Allele origin: germline.